The following is an entry in ClinVar:

ClinVar aggregate classification (germline): Uncertain significance (1 of 4 stars; one submission).

Conditions:
Arrhythmogenic right ventricular dysplasia 5. Also called: Arrhythmogenic Right Ventricular Dysplasia/Cardiomyopathy 5; ARRHYTHMOGENIC RIGHT VENTRICULAR DYSPLASIA, FAMILIAL, 5. Identifiers: MedGen C1858379, MONDO:0011459, OMIM 604400.

Submission:

Labcorp Genetics (formerly Invitae), Labcorp
Classification: Uncertain significance for Arrhythmogenic right ventricular dysplasia 5. Last evaluated: 2021-12-23. Review status: criteria provided, single submitter. Criteria: Invitae Variant Classification Sherloc (09022015). Collection method: clinical testing. Allele origin: germline.
Comment: This sequence change replaces valine, which is neutral and non-polar, with isoleucine, which is neutral and non-polar, at codon 389 of the TMEM43 protein (p.Val389Ile). This variant is not present in population databases (gnomAD no frequency). This variant has not been reported in the literature in individuals affected with TMEM43-related conditions. Algorithms developed to predict the effect of missense changes on protein structure and function output the following: SIFT: "Tolerated"; PolyPhen-2: "Benign"; Align-GVGD: "Class C0". The isoleucine amino acid residue is found in multiple mammalian species, which suggests that this missense change does not adversely affect protein function. In summary, the available evidence is currently insufficient to determine the role of this variant in disease. Therefore, it has been classified as a Variant of Uncertain Significance.

NM_024334.3(TMEM43):c.1165G>A (p.Val389Ile)

Gene: TMEM43 (transmembrane protein 43; plus strand). Cytogenetic location: 3p25.1.
Variant type: single nucleotide variant.
Coding change: c.1165G>A on transcript NM_024334.3 (MANE Select); coding-DNA position 1165, G replaced by A.
Protein change: p.Val389Ile; replaces valine 389 with isoleucine.
Molecular consequence: missense variant.
Genome position (GRCh38, 1-based): chr3:14,141,757, G>A. VCF-style: chr3-14141757-G-A. GRCh37 (hg19) VCF-style: chr3-14183257-G-A.
Other names: c.1168G>A, p.Val390Ile (NM_001407274.1); c.1162G>A, p.Val388Ile (NM_001407275.1, NM_001407276.1); c.1159G>A, p.Val387Ile (NM_001407277.1); c.1150G>A, p.Val384Ile (NM_001407278.1); c.1090G>A, p.Val364Ile (NM_001407279.1); c.1015G>A, p.Val339Ile (NM_001407280.1); short protein forms V388I, V389I, V339I, V364I, V384I, V387I, V390I.
Identifiers: ClinVar variation 2055839 (VCV002055839.4), dbSNP rs1308027129, ClinGen allele CA351536655.